The following is an entry in ClinVar:

NM_006662.3(SRCAP):c.7247C>G (p.Ser2416Cys)

Gene: SRCAP (Snf2 related CREBBP activator protein; plus strand). Cytogenetic location: 16p11.2.
Variant type: single nucleotide variant.
Coding change: c.7247C>G on transcript NM_006662.3 (MANE Select); coding-DNA position 7247, C replaced by G.
Protein change: p.Ser2416Cys; replaces serine 2416 with cysteine.
Molecular consequence: missense variant.
Genome position (GRCh38, 1-based): chr16:30,737,287, C>G. VCF-style: chr16-30737287-C-G. GRCh37 (hg19) VCF-style: chr16-30748608-C-G.
Other names: short protein forms S2416C.
Identifiers: ClinVar variation 3670310 (VCV003670310.2).

ClinVar aggregate classification (germline): Uncertain significance (1 of 4 stars; one submission).

gnomAD v4.1: 1 of 1,613,924 alleles (0.000062%); highest among the groups gnomAD compares: East Asian, 0.0022%; no homozygotes.

Submission:

Labcorp Genetics (formerly Invitae), Labcorp
Classification: Uncertain significance. Last evaluated: 2024-06-30. Review status: criteria provided, single submitter. Criteria: Invitae Variant Classification Sherloc (09022015). Collection method: clinical testing. Allele origin: germline.
Comment: This sequence change replaces serine, which is neutral and polar, with cysteine, which is neutral and slightly polar, at codon 2416 of the SRCAP protein (p.Ser2416Cys). The frequency data for this variant in the population databases is considered unreliable, as metrics indicate poor data quality at this position in the gnomAD database. This variant has not been reported in the literature in individuals affected with SRCAP-related conditions. Advanced modeling of protein sequence and biophysical properties (such as structural, functional, and spatial information, amino acid conservation, physicochemical variation, residue mobility, and thermodynamic stability) performed at Invitae indicates that this missense variant is not expected to disrupt SRCAP protein function with a negative predictive value of 80%. In summary, the available evidence is currently insufficient to determine the role of this variant in disease. Therefore, it has been classified as a Variant of Uncertain Significance.